The following is an entry in ClinVar:

NM_001354604.2(MITF):c.1351A>G (p.Thr451Ala)

Gene: MITF (melanocyte inducing transcription factor; plus strand). Cytogenetic location: 3p13.
Variant type: single nucleotide variant.
Coding change: c.1351A>G on transcript NM_001354604.2 (MANE Select); coding-DNA position 1351, A replaced by G.
Protein change: p.Thr451Ala; replaces threonine 451 with alanine.
Molecular consequence: missense variant.
Genome position (GRCh38, 1-based): chr3:69,965,018, A>G. VCF-style: chr3-69965018-A-G. GRCh37 (hg19) VCF-style: chr3-70014169-A-G.
Other names: c.1030A>G, p.Thr344Ala (NM_000248.4); c.1177A>G, p.Thr393Ala (NM_001184967.2, NM_001354608.2); c.1348A>G, p.Thr450Ala (NM_001354605.2); c.1330A>G, p.Thr444Ala (NM_001354606.2, NM_006722.3); c.1282A>G, p.Thr428Ala (NM_001354607.2); c.1012A>G, p.Thr338Ala (NM_198158.3); c.1333A>G, p.Thr445Ala (NM_198159.3); c.1285A>G, p.Thr429Ala (NM_198177.3); and 1 more; short protein forms T282A, T428A, T338A, T429A, T444A, T393A, T445A, T451A.
Identifiers: ClinVar variation 2122013 (VCV002122013.4), dbSNP rs2471672524, ClinGen allele CA353559663.
Genomic context (GRCh38, chr3:69,965,018, plus strand): 5'-TGCAGCCAAGACCTCCTTCAGCATCATGCAGACCTAACCTGTACAACAACTCTCGATCTC[A>G]CGGATGGCACCATCACCTTCAACAACAACCTCGGAACTGGGACTGAGGCCAACCAAGCCT-3'
Protein context (NP_001341533.1, residues 441-461): DLTCTTTLDL[Thr451Ala]DGTITFNNNL

ClinVar aggregate classification (germline): Uncertain significance (1 of 4 stars; one submission).

Conditions:
Melanoma, cutaneous malignant, susceptibility to, 8. Also called: Cutaneous malignant melanoma 8; MELANOMA AND RENAL CELL CARCINOMA, SUSCEPTIBILITY TO. Identifiers: Orphanet 293822, MedGen C3152204, MONDO:0013759, OMIM 614456.
Tietz syndrome (TADS). Also called: HYPOPIGMENTATION/DEAFNESS OF TIETZ; ALBINISM-DEAFNESS OF TIETZ; TIETZ ALBINISM-DEAFNESS SYNDROME. Identifiers: Orphanet 42665, MedGen C0391816, MONDO:0007077, OMIM 103500.
Waardenburg syndrome type 2A (WS2A). Also called: WAARDENBURG SYNDROME WITHOUT DYSTOPIA CANTHORUM. Identifiers: Orphanet 3440, MedGen C1860339, MONDO:0008671, OMIM 193510.

Allele frequency attached by ClinVar (database versions not stated): gnomAD exomes 0.00001.
gnomAD v4.1: 10 of 1,612,340 alleles (0.00062%); highest among the groups gnomAD compares: Non-Finnish European, 0.00085%; no homozygotes.

Submission:

Labcorp Genetics (formerly Invitae), Labcorp
Classification: Uncertain significance for Melanoma, cutaneous malignant, susceptibility to, 8; Waardenburg syndrome type 2A; Tietz syndrome. Last evaluated: 2022-06-21. Review status: criteria provided, single submitter. Criteria: Invitae Variant Classification Sherloc (09022015). Collection method: clinical testing. Allele origin: germline.
Comment: This sequence change replaces threonine, which is neutral and polar, with alanine, which is neutral and non-polar, at codon 344 of the MITF protein (p.Thr344Ala). In summary, the available evidence is currently insufficient to determine the role of this variant in disease. Therefore, it has been classified as a Variant of Uncertain Significance. Algorithms developed to predict the effect of missense changes on protein structure and function (SIFT, PolyPhen-2, Align-GVGD) all suggest that this variant is likely to be tolerated. This variant has not been reported in the literature in individuals affected with MITF-related conditions. This variant is not present in population databases (gnomAD no frequency).